The following is an entry in ClinVar:

NM_000322.5(PRPH2):c.174_184del (p.His58fs)

Gene: PRPH2 (peripherin 2; minus strand). Cytogenetic location: 6p21.1.
Variant type: Deletion.
Coding change: c.174_184del on transcript NM_000322.5 (MANE Select); coding-DNA positions 174 to 184, 11 bases deleted (TTTTGTGCCCA).
Protein change: p.His58fs; shifts the reading frame from histidine 58.
Molecular consequence: frameshift variant.
Genome position (GRCh38, 1-based): chr6:42,722,151-42,722,161, TGGGCACAAAA deleted on the plus strand (TTTTGTGCCCA on the coding strand, the reverse complement: PRPH2 is on the minus strand); deleting any 11 consecutive bases within chr6:42,722,151-42,722,164 gives the same sequence; the c. name uses the placement nearest the transcript's 3' end. VCF-style (leftmost placement, unchanged base first): chr6-42722150-TTGGGCACAAAA-T. GRCh37 (hg19) VCF-style: chr6-42689888-TTGGGCACAAAA-T.
Other names: c.174_184delTTTTGTGCCCA (NM_000322.4); short protein forms H58fs.
Identifiers: ClinVar variation 504093 (VCV000504093.3), dbSNP rs1554270848, ClinGen allele CA658796764.
Genomic context (GRCh38, chr6:42,722,150, plus strand): 5'-CAGATCTTCCCAGCCAGCGAGTTGAAGACACAGGATAGCACCCCCATCCCTATCAATGAG[TTGGGCACAAAA>T]TGGCTCTCAGAATTATTCATCACATCGCTCCTCTTTCGGAGTTCAATCTTCAGGAACAGT-3'

ClinVar aggregate classification (germline): Likely pathogenic (1 of 4 stars; one submission).

Submission:

GeneDx
Classification: Likely pathogenic. Last evaluated: 2020-02-19. Review status: criteria provided, single submitter. Criteria: GeneDx Variant Classification Process June 2021. Collection method: clinical testing. Allele origin: germline. Affected: yes.
Comment: Frameshift variant predicted to result in protein truncation or nonsense mediated decay in a gene for which loss-of-function is a known mechanism of disease; Not observed in large population cohorts (Lek et al., 2016)